The following is an entry in ClinVar:

NM_001375567.1(FOCAD):c.3032A>G (p.Asp1011Gly)

Gene: FOCAD (focadhesin; plus strand). Cytogenetic location: 9p21.3.
Variant type: single nucleotide variant.
Coding change: c.3032A>G on transcript NM_001375567.1 (MANE Select); coding-DNA position 3032, A replaced by G.
Protein change: p.Asp1011Gly; replaces aspartic acid 1011 with glycine.
Molecular consequence: missense variant.
Genome position (GRCh38, 1-based): chr9:20,926,371, A>G. VCF-style: chr9-20926371-A-G. GRCh37 (hg19) VCF-style: chr9-20926370-A-G.
Other names: c.2927A>G, p.Asp976Gly (NM_001375568.1, NM_001375570.1); c.3032A>G, p.Asp1011Gly (NM_017794.5); short protein forms D1011G, D976G.
Identifiers: ClinVar variation 787886 (VCV000787886.9), dbSNP rs75465271, ClinGen allele CA5007389.
Genomic context (GRCh38, chr9:20,926,371, plus strand): 5'-ATTTCCTTTCAATGAAAGAGTGGGTTTCCATGGTACTTGATACACTCTTGGTCATTGTGG[A>G]TAGCCATTACCAACCCAGAGGGCAACTTCTCTCCTGGTTTTATTATGTAAGTGCAAAAAA-3'
Protein context (NP_001362496.1, residues 1001-1021): MVLDTLLVIV[Asp1011Gly]SHYQPRGQLL

ClinVar aggregate classification (germline): Likely benign. Review status: criteria provided, single submitter (1 of 4 stars). 2 submissions from 2 submitters: Likely benign (1). 1 of the submissions does not count toward it. Last evaluated 2025-08-11.

Conditions:
FOCAD-related disorder. Also called: FOCAD-related condition.

Allele frequency attached by ClinVar (database versions not stated): gnomAD exomes 0.00012 and 0.00034; ExAC 0.00053; ESP Exome Variant Server 0.00123; gnomAD 0.00170 and 0.00177; TOPMed 0.00178; 1000 Genomes Project 30x 0.00187; 1000 Genomes Project 0.00220.
gnomAD v4.1: 431 of 1,613,750 alleles (0.027%); highest among the groups gnomAD compares: African/African-American, 0.55%; 2 homozygotes.

Submissions (4):

Labcorp Genetics (formerly Invitae), Labcorp
Classification: Likely benign. Last evaluated: 2025-08-11. Review status: criteria provided, single submitter. Criteria: Invitae Variant Classification Sherloc (09022015). Collection method: clinical testing. Allele origin: germline.

PreventionGenetics, part of Exact Sciences
Classification: Likely benign for FOCAD-related condition. Last evaluated: 2022-03-22. Review status: no assertion criteria provided. Collection method: clinical testing. Allele origin: germline. Not counted in ClinVar's aggregate classification.
Comment: This variant is classified as likely benign based on ACMG/AMP sequence variant interpretation guidelines (Richards et al. 2015 PMID: 25741868, with internal and published modifications).

Dr. Peter K. Rogan Lab, Western University
No classification provided (evidence only). Condition: Familial cancer of breast. Review status: no classification provided. Collection method: in vitro. Allele origin: not applicable. Functional consequence: retained intron. Not counted in ClinVar's aggregate classification.

Dr. Peter K. Rogan Lab, Western University
No classification provided (evidence only). Condition: Gastric cancer. Review status: no classification provided. Collection method: in vitro. Allele origin: not applicable. Functional consequence: retained intron. Not counted in ClinVar's aggregate classification.